The following is an entry in ClinVar:

ClinVar aggregate classification (germline): Likely benign (1 of 4 stars; one submission).

Allele frequency attached by ClinVar (database versions not stated): gnomAD 0.00001; ExAC 0.00002; gnomAD exomes 0.00002; TOPMed 0.00002; 1000 Genomes Project 30x 0.00016; 1000 Genomes Project 0.00020.
gnomAD v4.1: 15 of 1,611,544 alleles (0.00093%); highest among the groups gnomAD compares: East Asian, 0.031%; no homozygotes.

Submission:

CeGaT Center for Human Genetics Tuebingen
Classification: Likely benign. Last evaluated: 2022-07-01. Review status: criteria provided, single submitter. Criteria: CeGaT Center For Human Genetics Tuebingen Variant Classification Criteria Version 2. Collection method: clinical testing. Allele origin: germline. Affected: yes. Observed: 1 variant allele.
Comment: HERC1: BP4, BP7

NM_003922.4(HERC1):c.1191A>G (p.Lys397=)

Gene: HERC1 (HECT and RLD domain containing E3 ubiquitin protein ligase family member 1; minus strand). Cytogenetic location: 15q22.31.
Variant type: single nucleotide variant.
Coding change: c.1191A>G on transcript NM_003922.4 (MANE Select); coding-DNA position 1191, A replaced by G.
Protein change: p.Lys397=; no amino-acid change (lysine 397 retained).
Molecular consequence: synonymous variant.
Genome position (GRCh38, 1-based): chr15:63,758,205, T>C on the plus strand (A>G on the coding strand, the complement: HERC1 is on the minus strand). VCF-style: chr15-63758205-T-C. GRCh37 (hg19) VCF-style: chr15-64050404-T-C.
Identifiers: ClinVar variation 2645441 (VCV002645441.24), dbSNP rs542395927, ClinGen allele CA7606518.